The following is an entry in ClinVar:

ClinVar aggregate classification (germline): Conflicting classifications of pathogenicity. Review status: criteria provided, conflicting classifications (1 of 4 stars). 7 submissions from 7 submitters: Uncertain significance (6); Likely benign (1). Last evaluated 2026-01-13.

Conditions:
Catecholaminergic polymorphic ventricular tachycardia 2. Also called: VENTRICULAR TACHYCARDIA, STRESS-INDUCED POLYMORPHIC 2; CASQ2-Related Catecholaminergic Polymorphic Ventricular Tachycardia. Identifiers: Orphanet 3286, MedGen C2677794, MONDO:0012762, OMIM 611938.
Cardiovascular phenotype. Identifiers: MedGen CN230736.
Catecholaminergic polymorphic ventricular tachycardia 1. Also called: VENTRICULAR TACHYCARDIA, STRESS-INDUCED POLYMORPHIC 1; RYR2-Related Catecholaminergic Polymorphic Ventricular Tachycardia; VENTRICULAR TACHYCARDIA, CATECHOLAMINERGIC POLYMORPHIC, 1, WITH OR WITHOUT ATRIAL DYSFUNCTION AND/OR DILATED CARDIOMYOPATHY. Identifiers: Orphanet 3286, MedGen C1631597, MONDO:0011484, OMIM 604772.

Allele frequency attached by ClinVar (database versions not stated): TOPMed 0.00009; gnomAD exomes 0.00002; ESP Exome Variant Server 0.00008; gnomAD 0.00008 and 0.00009.
gnomAD v4.1: 36 of 1,614,040 alleles (0.0022%); highest among the groups gnomAD compares: African/African-American, 0.029%; no homozygotes.

Submissions (7):

Labcorp Genetics (formerly Invitae), Labcorp
Classification: Uncertain significance for Catecholaminergic polymorphic ventricular tachycardia 1. Last evaluated: 2026-01-13. Review status: criteria provided, single submitter. Criteria: Invitae Variant Classification Sherloc (09022015). Collection method: clinical testing. Allele origin: germline.
Comment: This sequence change replaces aspartic acid, which is acidic and polar, with asparagine, which is neutral and polar, at codon 300 of the CASQ2 protein (p.Asp300Asn). This variant is present in population databases (rs376147306, gnomAD 0.02%). This variant has not been reported in the literature in individuals affected with CASQ2-related conditions. ClinVar contains an entry for this variant (Variation ID: 518768). Invitae Evidence Modeling of protein sequence and biophysical properties (such as structural, functional, and spatial information, amino acid conservation, physicochemical variation, residue mobility, and thermodynamic stability) indicates that this missense variant is not expected to disrupt CASQ2 protein function with a negative predictive value of 95%. In summary, the available evidence is currently insufficient to determine the role of this variant in disease. Therefore, it has been classified as a Variant of Uncertain Significance.

Ambry Genetics
Classification: Likely benign for Cardiovascular phenotype. Last evaluated: 2025-04-11. Review status: criteria provided, single submitter. Criteria: Ambry Variant Classification Scheme 2023. Collection method: clinical testing. Allele origin: germline.

Blueprint Genetics
Classification: Uncertain significance. Last evaluated: 2024-10-21. Review status: criteria provided, single submitter. Criteria: ACMG Guidelines, 2015. Collection method: clinical testing. Allele origin: germline.

GeneDx
Classification: Uncertain significance. Last evaluated: 2023-08-29. Review status: criteria provided, single submitter. Criteria: GeneDx Variant Classification Process June 2021. Collection method: clinical testing. Allele origin: germline. Affected: yes.
Comment: In silico analysis supports that this missense variant does not alter protein structure/function; Has not been previously published as pathogenic or benign to our knowledge

Genome-Nilou Lab
Classification: Uncertain significance for Catecholaminergic polymorphic ventricular tachycardia 2. Last evaluated: 2023-04-11. Review status: criteria provided, single submitter. Criteria: ACMG Guidelines, 2015. Collection method: clinical testing. Allele origin: germline. Affected: no.

Revvity Omics, Revvity
Classification: Uncertain significance for Catecholaminergic polymorphic ventricular tachycardia 2. Last evaluated: 2022-05-27. Review status: criteria provided, single submitter. Criteria: ACMG Guidelines, 2015. Collection method: clinical testing. Allele origin: germline.

Illumina Laboratory Services, Illumina
Classification: Uncertain significance for Catecholaminergic polymorphic ventricular tachycardia 2. Last evaluated: 2018-01-12. Review status: criteria provided, single submitter. Criteria: ICSL Variant Classification Criteria 13 December 2019. Collection method: clinical testing. Allele origin: germline.

Literature cited by the submitters: PubMed 39900885 (cited by Ambry Genetics).

NM_001232.4(CASQ2):c.898G>A (p.Asp300Asn)

Gene: CASQ2 (calsequestrin 2; minus strand). Cytogenetic location: 1p13.1.
Variant type: single nucleotide variant.
Coding change: c.898G>A on transcript NM_001232.4 (MANE Select); coding-DNA position 898, G replaced by A.
Protein change: p.Asp300Asn; replaces aspartic acid 300 with asparagine.
Molecular consequence: missense variant.
Genome position (GRCh38, 1-based): chr1:115,705,233, C>T on the plus strand (G>A on the coding strand, the complement: CASQ2 is on the minus strand). VCF-style: chr1-115705233-C-T. GRCh37 (hg19) VCF-style: chr1-116247854-C-T.
Other names: short protein forms D300N.
Identifiers: ClinVar variation 518768 (VCV000518768.22), dbSNP rs376147306, ClinGen allele CA1023700.